The following is an entry in ClinVar:

NM_024675.4(PALB2):c.3159T>G (p.Asp1053Glu)

Gene: PALB2 (partner and localizer of BRCA2; minus strand). Cytogenetic location: 16p12.2.
Variant type: single nucleotide variant.
Coding change: c.3159T>G on transcript NM_024675.4 (MANE Select); coding-DNA position 3159, T replaced by G.
Protein change: p.Asp1053Glu; replaces aspartic acid 1053 with glutamic acid.
Molecular consequence: missense variant.
Genome position (GRCh38, 1-based): chr16:23,614,046, A>C on the plus strand (T>G on the coding strand, the complement: PALB2 is on the minus strand). VCF-style: chr16-23614046-A-C. GRCh37 (hg19) VCF-style: chr16-23625367-A-C.
Other names: short protein forms D1053E.
Identifiers: ClinVar variation 1524245 (VCV001524245.7), dbSNP rs1555458816, ClinGen allele CA395141288.

ClinVar aggregate classification (germline): Uncertain significance (1 of 4 stars; one submission).

Conditions:
Familial cancer of breast. Also called: BREAST CANCER, FAMILIAL; hereditary breast carcinoma; Hereditary breast cancer. Identifiers: Orphanet 227535, MedGen C0346153, MONDO:0016419, OMIM 114480. Disease mechanism: loss of function.

Submission:

Labcorp Genetics (formerly Invitae), Labcorp
Classification: Uncertain significance for Familial cancer of breast. Last evaluated: 2021-10-10. Review status: criteria provided, single submitter. Criteria: Invitae Variant Classification Sherloc (09022015). Collection method: clinical testing. Allele origin: germline.
Comment: This variant has not been reported in the literature in individuals affected with PALB2-related conditions. This sequence change replaces aspartic acid with glutamic acid at codon 1053 of the PALB2 protein (p.Asp1053Glu). The aspartic acid residue is moderately conserved and there is a small physicochemical difference between aspartic acid and glutamic acid. This variant is not present in population databases (ExAC no frequency). Algorithms developed to predict the effect of missense changes on protein structure and function (SIFT, PolyPhen-2, Align-GVGD) all suggest that this variant is likely to be tolerated. In summary, the available evidence is currently insufficient to determine the role of this variant in disease. Therefore, it has been classified as a Variant of Uncertain Significance.